The following is an entry in ClinVar:

NM_005334.3(HCFC1):c.2924A>G (p.His975Arg)

Gene: HCFC1 (host cell factor C1; minus strand). Cytogenetic location: Xq28.
Variant type: single nucleotide variant.
Coding change: c.2924A>G on transcript NM_005334.3 (MANE Select); coding-DNA position 2924, A replaced by G.
Protein change: p.His975Arg; replaces histidine 975 with arginine.
Molecular consequence: missense variant.
Genome position (GRCh38, 1-based): chrX:153,955,475, T>C on the plus strand (A>G on the coding strand, the complement: HCFC1 is on the minus strand). VCF-style: chrX-153955475-T-C. GRCh37 (hg19) VCF-style: chrX-153220926-T-C.
Other names: c.2924A>G, p.His975Arg (NM_001410705.1); short protein forms H975R.
Identifiers: ClinVar variation 3900261 (VCV003900261.1).

ClinVar aggregate classification (germline): Uncertain significance (1 of 4 stars; one submission).

gnomAD v4.1: 3 of 1,195,404 alleles (0.00025%); highest among the groups gnomAD compares: Admixed American, 0.0044%; no homozygotes.

Submission:

GeneDx
Classification: Uncertain significance. Last evaluated: 2024-11-25. Review status: criteria provided, single submitter. Criteria: GeneDx Variant Classification Process June 2021. Collection method: clinical testing. Allele origin: germline. Affected: yes.
Comment: Not observed at significant frequency in large population cohorts (gnomAD); In silico analysis indicates that this missense variant does not alter protein structure/function; Has not been previously published as pathogenic or benign to our knowledge